The following is an entry in ClinVar:

NM_031935.3(HMCN1):c.9364-3T>C

Gene: HMCN1 (hemicentin 1; plus strand). Cytogenetic location: 1q31.1.
Variant type: single nucleotide variant.
Coding change: c.9364-3T>C on transcript NM_031935.3 (MANE Select); 3 bases into the intron before coding-DNA position 9364, T replaced by C.
Molecular consequence: intron variant.
Genome position (GRCh38, 1-based): chr1:186,087,929, T>C. VCF-style: chr1-186087929-T-C. GRCh37 (hg19) VCF-style: chr1-186057061-T-C.
Identifiers: ClinVar variation 3674155 (VCV003674155.2).
Genomic context (GRCh38, chr1:186,087,929, plus strand): 5'-GAACAGTATGATTGGTCATCTATAACTTAATGGAGCACATACAATAGTATCTTTTTCTTT[T>C]AGGTATCTGACACAGGCCAGTATGTATGTAGAGCTATAAATGTAGCAGGACGGGATGATA-3'

ClinVar aggregate classification (germline): Uncertain significance (1 of 4 stars; one submission).

Submission:

Labcorp Genetics (formerly Invitae), Labcorp
Classification: Uncertain significance. Last evaluated: 2024-04-20. Review status: criteria provided, single submitter. Criteria: Invitae Variant Classification Sherloc (09022015). Collection method: clinical testing. Allele origin: germline.
Comment: This sequence change falls in intron 60 of the HMCN1 gene. It does not directly change the encoded amino acid sequence of the HMCN1 protein. It affects a nucleotide within the consensus splice site. This variant is not present in population databases (gnomAD no frequency). This variant has not been reported in the literature in individuals affected with HMCN1-related conditions. Variants that disrupt the consensus splice site are a relatively common cause of aberrant splicing (PMID: 17576681, 9536098). Algorithms developed to predict the effect of sequence changes on RNA splicing suggest that this variant is not likely to affect RNA splicing. In summary, the available evidence is currently insufficient to determine the role of this variant in disease. Therefore, it has been classified as a Variant of Uncertain Significance.

Literature cited by the submitters: PubMed 17576681; PubMed 9536098.